The following is an entry in ClinVar:

NM_001348041.4(BBS9):c.2646A>G (p.Gly882=)

Gene: BBS9 (Bardet-Biedl syndrome 9; plus strand). Cytogenetic location: 7p14.3.
Variant type: single nucleotide variant.
Coding change: c.2646A>G on transcript NM_001348041.4; coding-DNA position 2646, A replaced by G.
Protein change: p.Gly882=; no amino-acid change (glycine 882 retained).
Molecular consequence: synonymous variant.
Genome position (GRCh38, 1-based): chr7:33,635,190, A>G. VCF-style: chr7-33635190-A-G. GRCh37 (hg19) VCF-style: chr7-33674802-A-G.
Other names: c.2535A>G, p.Gly845= (NM_001362679.1).
Identifiers: ClinVar variation 4995557 (VCV004995557.1).
Genomic context (GRCh38, chr7:33,635,190, plus strand): 5'-TGGATGCCTCCTCTGCCATTACTCCCTCCATCTCTCTCTGTTCACAGACCCCAGGACTGG[A>G]CAGAGGATCGAGGCCTGGACCCTAAGAATACCCCACTCCCTGAGCCAGCATCTCCAGCTG-3'

ClinVar aggregate classification (germline): Uncertain significance (1 of 4 stars; one submission).

Conditions:
BBS9-related disorder. Also called: BBS9-related condition.

Submission:

PreventionGenetics, part of Exact Sciences
Classification: Uncertain significance for BBS9-related condition. Last evaluated: 2026-04-23. Review status: criteria provided, single submitter. Criteria: ACMG Guidelines, 2015. Collection method: clinical testing. Allele origin: germline.
Comment: The BBS9 c.2646A>G variant is not predicted to result in an amino acid change (p.=). This variant is predicted to alter splicing based on available splicing prediction programs (SpliceAI, Jaganathan et al. 2019. PubMed ID: 30661751). However, the use of computer prediction programs is not equivalent to functional evidence. To our knowledge, this variant has not been reported in the literature. This variant is reported in 0.0066% of alleles in individuals of European (Non-Finnish) descent in gnomAD. At this time, the clinical significance of this variant is uncertain due to the absence of conclusive functional and genetic evidence.